The following is an entry in ClinVar:

NM_004369.4(COL6A3):c.8491G>T (p.Asp2831Tyr)

Gene: COL6A3 (collagen type VI alpha 3 chain; minus strand). Cytogenetic location: 2q37.3.
Variant type: single nucleotide variant.
Coding change: c.8491G>T on transcript NM_004369.4 (MANE Select); coding-DNA position 8491, G replaced by T.
Protein change: p.Asp2831Tyr; replaces aspartic acid 2831 with tyrosine.
Molecular consequence: missense variant.
Genome position (GRCh38, 1-based): chr2:237,339,091, C>A on the plus strand (G>T on the coding strand, the complement: COL6A3 is on the minus strand). VCF-style: chr2-237339091-C-A. GRCh37 (hg19) VCF-style: chr2-238247734-C-A.
Other names: c.6670G>T, p.Asp2224Tyr (NM_057166.5); c.7873G>T, p.Asp2625Tyr (NM_057167.4); short protein forms D2224Y, D2831Y, D2625Y.
Identifiers: ClinVar variation 1921208 (VCV001921208.10), dbSNP rs36104025, ClinGen allele CA351193010.
Genomic context (GRCh38, chr2:237,339,091, plus strand): 5'-ACTTCACAAGGTTCTTTGTGGGTTGGTCCCCTTGGAACCAATCACACTGTTTCCTGATAT[C>A]TGGGGACAAGTAAAAAGCATTTTCACCTAAAGAAAAAAAACAAAGAAAACAATTGAACCG-3'
Protein context (NP_004360.2, residues 2821-2841): SSENAFYLSP[Asp2831Tyr]IRKQCDWFQG

ClinVar aggregate classification (germline): Uncertain significance. Review status: criteria provided, multiple submitters, no conflicts (2 of 4 stars). 3 submissions from 3 submitters: Uncertain significance (3). Last evaluated 2023-02-22.

Conditions:
Bethlem myopathy 1A. Also called: Bethlem myopathy 1; MYOPATHY, BENIGN CONGENITAL, WITH CONTRACTURES; Bethlem Muscular Dystrophy. Identifiers: Orphanet 610, MedGen CN029274, MONDO:0024530, OMIM 158810.

gnomAD v4.1: 3 of 1,613,636 alleles (0.00019%); highest among the groups gnomAD compares: African/African-American, 0.0013%; no homozygotes.

Submissions (9):

Labcorp Genetics (formerly Invitae), Labcorp
Classification: Uncertain significance for Bethlem myopathy 1A. Last evaluated: 2023-02-22. Review status: criteria provided, single submitter. Criteria: Invitae Variant Classification Sherloc (09022015). Collection method: clinical testing. Allele origin: germline.
Comment: In summary, the available evidence is currently insufficient to determine the role of this variant in disease. Therefore, it has been classified as a Variant of Uncertain Significance. Advanced modeling of protein sequence and biophysical properties (such as structural, functional, and spatial information, amino acid conservation, physicochemical variation, residue mobility, and thermodynamic stability) performed at Invitae indicates that this missense variant is expected to disrupt COL6A3 protein function. This variant has not been reported in the literature in individuals affected with COL6A3-related conditions. This variant is present in population databases (no rsID available, gnomAD 0.004%). This sequence change replaces aspartic acid, which is acidic and polar, with tyrosine, which is neutral and polar, at codon 2831 of the COL6A3 protein (p.Asp2831Tyr).

GeneDx
Classification: Uncertain significance. Last evaluated: 2022-08-10. Review status: criteria provided, single submitter. Criteria: GeneDx Variant Classification Process June 2021. Collection method: clinical testing. Allele origin: germline. Affected: yes.
Comment: Not observed at significant frequency in large population cohorts (gnomAD); In silico analysis supports that this missense variant has a deleterious effect on protein structure/function; Has not been previously published as pathogenic or benign to our knowledge

Revvity Omics, Revvity
Classification: Uncertain significance. Last evaluated: 2019-05-02. Review status: criteria provided, single submitter. Criteria: ACMG Guidelines, 2015. Collection method: clinical testing. Allele origin: germline.

Dr. Peter K. Rogan Lab, Western University
No classification provided (evidence only). Condition: Thyroid cancer, nonmedullary, 1. Review status: no classification provided. Collection method: in vitro. Allele origin: not applicable. Functional consequence: retained intron. Not counted in ClinVar's aggregate classification.

Dr. Peter K. Rogan Lab, Western University
No classification provided (evidence only). Condition: Thyroid cancer, nonmedullary, 1. Review status: no classification provided. Collection method: in vitro. Allele origin: not applicable. Functional consequence: retained intron. Not counted in ClinVar's aggregate classification.

Dr. Peter K. Rogan Lab, Western University
No classification provided (evidence only). Condition: Ovarian serous cystadenocarcinoma. Review status: no classification provided. Collection method: in vitro. Allele origin: not applicable. Functional consequence: retained intron. Not counted in ClinVar's aggregate classification.

Dr. Peter K. Rogan Lab, Western University
No classification provided (evidence only). Condition: Ovarian serous cystadenocarcinoma. Review status: no classification provided. Collection method: in vitro. Allele origin: not applicable. Functional consequence: retained intron. Not counted in ClinVar's aggregate classification.

Dr. Peter K. Rogan Lab, Western University
No classification provided (evidence only). Condition: Ovarian serous cystadenocarcinoma. Review status: no classification provided. Collection method: in vitro. Allele origin: not applicable. Functional consequence: retained intron. Not counted in ClinVar's aggregate classification.

Dr. Peter K. Rogan Lab, Western University
No classification provided (evidence only). Condition: Ovarian serous cystadenocarcinoma. Review status: no classification provided. Collection method: in vitro. Allele origin: not applicable. Functional consequence: retained intron. Not counted in ClinVar's aggregate classification.